The following is an entry in ClinVar:

ClinVar aggregate classification (germline): Uncertain significance (1 of 4 stars; one submission).

Submission:

GeneDx
Classification: Uncertain significance. Last evaluated: 2024-04-18. Review status: criteria provided, single submitter. Criteria: GeneDx Variant Classification Process June 2021. Collection method: clinical testing. Allele origin: germline. Affected: yes.
Comment: Not observed at significant frequency in large population cohorts (gnomAD); In silico analysis supports that this missense variant has a deleterious effect on protein structure/function; Has not been previously published as pathogenic or benign to our knowledge

NM_133433.4(NIPBL):c.7346T>C (p.Ile2449Thr)

Gene: NIPBL (NIPBL cohesin loading factor; plus strand). Cytogenetic location: 5p13.2.
Variant type: single nucleotide variant.
Coding change: c.7346T>C on transcript NM_133433.4 (MANE Select); coding-DNA position 7346, T replaced by C.
Protein change: p.Ile2449Thr; replaces isoleucine 2449 with threonine.
Molecular consequence: missense variant.
Genome position (GRCh38, 1-based): chr5:37,057,268, T>C. VCF-style: chr5-37057268-T-C. GRCh37 (hg19) VCF-style: chr5-37057370-T-C.
Other names: c.7346T>C, p.Ile2449Thr (NM_015384.5); short protein forms I2449T.
Identifiers: ClinVar variation 3372768 (VCV003372768.1).
Genomic context (GRCh38, chr5:37,057,268, plus strand): 5'-TGTATATAGCAGACAATCTAGCCTGTTTTCCATACCAGACACAGGAAGAGCCGTTGTTTA[T>C]AATGCATCATATAGACATTACACTCTCAGTTTCTGGTAGTAACCTACTGCAGTCATTCAA-3'
Protein context (NP_597677.2, residues 2439-2459): PYQTQEEPLF[Ile2449Thr]MHHIDITLSV